The following is an entry in ClinVar:

ClinVar aggregate classification (germline): Benign/Likely benign. Review status: criteria provided, multiple submitters, no conflicts (2 of 4 stars). 4 submissions from 4 submitters: Benign (1); Likely benign (3). Last evaluated 2024-10-22.

Conditions:
Hereditary cancer-predisposing syndrome. Also called: Tumor predisposition; Hereditary neoplastic syndrome; Neoplastic Syndromes, Hereditary; Hereditary Cancer Syndrome. Identifiers: Orphanet 140162, MedGen C0027672, MeSH D009386, MONDO:0015356.
Birt-Hogg-Dube syndrome. Also called: Birt Hogg Dubé syndrome. Identifiers: Orphanet 122, MedGen C0346010, MONDO:0800444.
Birt-Hogg-Dube syndrome 1 (BHD1). Also called: FIBROFOLLICULOMAS WITH TRICHODISCOMAS AND ACROCHORDONS. Identifiers: Orphanet 122, MedGen CN375946, MONDO:0800445, OMIM 135150.

gnomAD v4.1: 4 of 1,614,106 alleles (0.00025%); highest among the groups gnomAD compares: Non-Finnish European, 0.00017%; no homozygotes.

Submissions (4):

Myriad Genetics, Inc.
Classification: Benign for Birt-Hogg-Dube syndrome 1. Last evaluated: 2024-10-22. Review status: criteria provided, single submitter. Criteria: Myriad Autosomal Dominant, Autosomal Recessive and X-Linked Classification Criteria (2023). Collection method: clinical testing. Allele origin: unknown.
Comment: This variant is considered benign. This variant is a silent/synonymous amino acid change and it is not expected to impact splicing.

Labcorp Genetics (formerly Invitae), Labcorp
Classification: Likely benign for Birt-Hogg-Dube syndrome. Last evaluated: 2022-12-01. Review status: criteria provided, single submitter. Criteria: Invitae Variant Classification Sherloc (09022015). Collection method: clinical testing. Allele origin: germline.

Ambry Genetics
Classification: Likely benign for Hereditary cancer-predisposing syndrome. Last evaluated: 2022-04-24. Review status: criteria provided, single submitter. Criteria: Ambry Variant Classification Scheme 2023. Collection method: clinical testing. Allele origin: germline.

Blueprint Genetics
Classification: Likely benign. Last evaluated: 2020-10-27. Review status: criteria provided, single submitter. Criteria: ACMG Guidelines, 2015. Collection method: clinical testing. Allele origin: germline.

NM_144997.7(FLCN):c.385C>T (p.Leu129=)

Gene: FLCN (folliculin; minus strand). Cytogenetic location: 17p11.2.
Variant type: single nucleotide variant.
Coding change: c.385C>T on transcript NM_144997.7 (MANE Select); coding-DNA position 385, C replaced by T.
Protein change: p.Leu129=; no amino-acid change (leucine 129 retained).
Molecular consequence: synonymous variant.
Genome position (GRCh38, 1-based): chr17:17,226,187, G>A on the plus strand (C>T on the coding strand, the complement: FLCN is on the minus strand). VCF-style: chr17-17226187-G-A. GRCh37 (hg19) VCF-style: chr17-17129501-G-A.
Other names: c.385C>T, p.Leu129= (NM_001353229.2, NM_001353230.2, NM_001353231.2 and 1 more transcripts).
Identifiers: ClinVar variation 762011 (VCV000762011.14), dbSNP rs1597612658, ClinGen allele CA498167650.